The following is an entry in ClinVar:

NM_014956.5(CEP164):c.2491G>C (p.Glu831Gln)

Gene: CEP164 (centrosomal protein 164; plus strand). Cytogenetic location: 11q23.3.
Variant type: single nucleotide variant.
Coding change: c.2491G>C on transcript NM_014956.5 (MANE Select); coding-DNA position 2491, G replaced by C.
Protein change: p.Glu831Gln; replaces glutamic acid 831 with glutamine.
Molecular consequence: missense variant.
Genome position (GRCh38, 1-based): chr11:117,392,625, G>C. VCF-style: chr11-117392625-G-C. GRCh37 (hg19) VCF-style: chr11-117263341-G-C.
Other names: c.2344G>C, p.Glu782Gln (NM_001440962.1, NM_001440963.1, NM_001440964.1 and 4 more transcripts); c.2500G>C, p.Glu834Gln (NM_001271933.2, NM_001440949.1); c.2491G>C, p.Glu831Gln (NM_001440950.1, NM_001440951.1, NM_001440953.1); c.2326G>C, p.Glu776Gln (NM_001440952.1, NM_001440968.1, NM_001440969.1); c.2413G>C, p.Glu805Gln (NM_001440954.1, NM_001440955.1, NM_001440958.1 and 1 more transcripts); c.2404G>C, p.Glu802Gln (NM_001440956.1, NM_001440957.1); c.2266G>C, p.Glu756Gln (NM_001440975.1, NM_001440976.1, NM_001440977.1 and 6 more transcripts); c.2281G>C, p.Glu761Gln (NM_001440978.1); and 8 more; short protein forms E712Q, E756Q, E776Q, E778Q, E831Q, E834Q, E686Q, E735Q.
Identifiers: ClinVar variation 4739457 (VCV004739457.2).

ClinVar aggregate classification (germline): Uncertain significance. Review status: criteria provided, multiple submitters, no conflicts (2 of 4 stars). 2 submissions from 2 submitters: Uncertain significance (2). Last evaluated 2026-08-05.

Conditions:
CEP164-related disorder. Also called: CEP164-related condition.
Nephronophthisis 15 (NPHP15). Identifiers: Orphanet 3156, MedGen C3541853, MONDO:0013917, OMIM 614845.

gnomAD v4.1: 61 of 1,613,872 alleles (0.0038%); highest among the groups gnomAD compares: Non-Finnish European, 0.0051%; no homozygotes.

Submissions (2):

PreventionGenetics, part of Exact Sciences
Classification: Uncertain significance for CEP164-related condition. Last evaluated: 2026-08-05. Review status: criteria provided, single submitter. Criteria: ACMG Guidelines, 2015. Collection method: clinical testing. Allele origin: germline.
Comment: The CEP164 c.2491G>C variant is predicted to result in the amino acid substitution p.Glu831Gln. To our knowledge, this variant has not been reported in the literature. This variant is reported in 0.00089% of alleles in individuals of European (Non-Finnish) descent in gnomAD. At this time, the clinical significance of this variant is uncertain due to the absence of conclusive functional and genetic evidence.

Labcorp Genetics (formerly Invitae), Labcorp
Classification: Uncertain significance for Nephronophthisis 15. Last evaluated: 2025-06-03. Review status: criteria provided, single submitter. Criteria: Invitae Variant Classification Sherloc (09022015). Collection method: clinical testing. Allele origin: germline.
Comment: This sequence change replaces glutamic acid, which is acidic and polar, with glutamine, which is neutral and polar, at codon 831 of the CEP164 protein (p.Glu831Gln). This variant is present in population databases (no rsID available, gnomAD 0.0009%). This variant has not been reported in the literature in individuals affected with CEP164-related conditions. An algorithm developed to predict the effect of missense changes on protein structure and function (PolyPhen-2) suggests that this variant is likely to be disruptive. In summary, the available evidence is currently insufficient to determine the role of this variant in disease. Therefore, it has been classified as a Variant of Uncertain Significance.